The following is an entry in ClinVar:

ClinVar aggregate classification (germline): Uncertain significance. Review status: criteria provided, multiple submitters, no conflicts (2 of 4 stars). 2 submissions from 2 submitters: Uncertain significance (2). Last evaluated 2025-07-17.

Conditions:
Developmental and epileptic encephalopathy, 11 (DEE11). Also called: Early infantile epileptic encephalopathy 11. Identifiers: Orphanet 1934, MedGen C3150987, MONDO:0013388, OMIM 613721.
Seizures, benign familial infantile, 3 (BFIS3). Also called: CONVULSIONS, BENIGN FAMILIAL INFANTILE, 3; Familial neonatal seizures. Identifiers: Orphanet 140927, Orphanet 306, MedGen C1843140, MONDO:0011904, OMIM 607745.

Allele frequency attached by ClinVar (database versions not stated): TOPMed below 0.00001; gnomAD 0.00001.

Submissions (2):

GeneDx
Classification: Uncertain significance. Last evaluated: 2025-07-17. Review status: criteria provided, single submitter. Criteria: GeneDx Variant Classification Process June 2021. Collection method: clinical testing. Allele origin: germline. Affected: yes.
Comment: Not observed at significant frequency in large population cohorts (gnomAD); In silico analysis supports that this missense variant has a deleterious effect on protein structure/function; This substitution is predicted to be within the intracellular loop between the S4 and S5 transmembrane segments of the first homologous domain; Has not been previously published as pathogenic or benign to our knowledge

Labcorp Genetics (formerly Invitae), Labcorp
Classification: Uncertain significance for Seizures, benign familial infantile, 3; Developmental and epileptic encephalopathy, 11. Last evaluated: 2021-10-11. Review status: criteria provided, single submitter. Criteria: Invitae Variant Classification Sherloc (09022015). Collection method: clinical testing. Allele origin: germline.
Comment: In summary, the available evidence is currently insufficient to determine the role of this variant in disease. Therefore, it has been classified as a Variant of Uncertain Significance. This sequence change replaces serine with threonine at codon 249 of the SCN2A protein (p.Ser249Thr). The serine residue is highly conserved and there is a small physicochemical difference between serine and threonine. This variant is not present in population databases (ExAC no frequency). This variant has not been reported in the literature in individuals affected with SCN2A-related conditions. Algorithms developed to predict the effect of missense changes on protein structure and function are either unavailable or do not agree on the potential impact of this missense change (SIFT: "Deleterious"; PolyPhen-2: "Probably Damaging"; Align-GVGD: "Class C0").

NM_001040142.2(SCN2A):c.745T>A (p.Ser249Thr)

Gene: SCN2A (sodium voltage-gated channel alpha subunit 2; plus strand). Cytogenetic location: 2q24.3.
Variant type: single nucleotide variant.
Coding change: c.745T>A on transcript NM_001040142.2 (MANE Select); coding-DNA position 745, T replaced by A.
Protein change: p.Ser249Thr; replaces serine 249 with threonine.
Molecular consequence: missense variant.
Genome position (GRCh38, 1-based): chr2:165,310,370, T>A. VCF-style: chr2-165310370-T-A. GRCh37 (hg19) VCF-style: chr2-166166880-T-A.
Other names: c.745T>A, p.Ser249Thr (NM_001040143.2, NM_001371246.1, NM_001371247.1 and 1 more transcripts); short protein forms S249T.
Identifiers: ClinVar variation 1317603 (VCV001317603.9), dbSNP rs1210217208, ClinGen allele CA349017918.